The following is an entry in ClinVar:

NM_002354.3(EPCAM):c.838G>C (p.Val280Leu)

Gene: EPCAM (epithelial cell adhesion molecule; plus strand). Cytogenetic location: 2p21.
Variant type: single nucleotide variant.
Coding change: c.838G>C on transcript NM_002354.3 (MANE Select); coding-DNA position 838, G replaced by C.
Protein change: p.Val280Leu; replaces valine 280 with leucine.
Molecular consequence: missense variant.
Genome position (GRCh38, 1-based): chr2:47,379,949, G>C. VCF-style: chr2-47379949-G-C. GRCh37 (hg19) VCF-style: chr2-47607088-G-C.
Other names: short protein forms V280L.
Identifiers: ClinVar variation 3509147 (VCV003509147.1).

ClinVar aggregate classification (germline): Uncertain significance (1 of 4 stars; one submission).

Conditions:
Hereditary cancer-predisposing syndrome. Also called: Tumor predisposition; Neoplastic Syndromes, Hereditary; Hereditary Cancer Syndrome; Hereditary neoplastic syndrome. Identifiers: Orphanet 140162, MedGen C0027672, MeSH D009386, MONDO:0015356.

gnomAD v4.1: 9 of 1,613,026 alleles (0.00056%); highest among the groups gnomAD compares: South Asian, 0.0011%; no homozygotes.

Submission:

Ambry Genetics
Classification: Uncertain significance for Hereditary cancer-predisposing syndrome. Last evaluated: 2024-10-24. Review status: criteria provided, single submitter. Criteria: Ambry Variant Classification Scheme 2023. Collection method: clinical testing. Allele origin: germline.
Comment: The p.V280L variant (also known as c.838G>C), located in coding exon 7 of the EPCAM gene, results from a G to C substitution at nucleotide position 838. The valine at codon 280 is replaced by leucine, an amino acid with highly similar properties. This amino acid position is conserved. In addition, this alteration is predicted to be tolerated by in silico analysis. Based on the available evidence, the clinical significance of this variant remains unclear.